The following is an entry in ClinVar:

ClinVar aggregate classification (germline): Uncertain significance (1 of 4 stars; one submission).

Submission:

Labcorp Genetics (formerly Invitae), Labcorp
Classification: Uncertain significance. Last evaluated: 2021-09-03. Review status: criteria provided, single submitter. Criteria: Invitae Variant Classification Sherloc (09022015). Collection method: clinical testing. Allele origin: germline.
Comment: This variant has not been reported in the literature in individuals affected with PPA2-related conditions. Algorithms developed to predict the effect of missense changes on protein structure and function (SIFT, PolyPhen-2, Align-GVGD) all suggest that this variant is likely to be disruptive. In summary, the available evidence is currently insufficient to determine the role of this variant in disease. Therefore, it has been classified as a Variant of Uncertain Significance. This variant is not present in population databases (ExAC no frequency). This sequence change replaces glycine with alanine at codon 137 of the PPA2 protein (p.Gly137Ala). The glycine residue is highly conserved and there is a small physicochemical difference between glycine and alanine.

NM_176869.3(PPA2):c.410G>C (p.Gly137Ala)

Gene: PPA2 (inorganic pyrophosphatase 2; minus strand). Cytogenetic location: 4q24.
Variant type: single nucleotide variant.
Coding change: c.410G>C on transcript NM_176869.3 (MANE Select); coding-DNA position 410, G replaced by C.
Protein change: p.Gly137Ala; replaces glycine 137 with alanine.
Molecular consequence: missense variant. On other transcripts: intron variant (2).
Genome position (GRCh38, 1-based): chr4:105,446,414, C>G on the plus strand (G>C on the coding strand, the complement: PPA2 is on the minus strand). VCF-style: chr4-105446414-C-G. GRCh37 (hg19) VCF-style: chr4-106367571-C-G.
Other names: c.410G>C, p.Gly137Ala (NM_006903.4); c.157+27480G>C (NM_176867.3); c.222+10267G>C (NM_176866.2); short protein forms G137A.
Identifiers: ClinVar variation 1446932 (VCV001446932.6), dbSNP rs771303141, ClinGen allele CA357802322.